The following is an entry in ClinVar:

NM_017866.6(TMEM70):c.497_498del (p.Tyr166fs)

Gene: TMEM70 (transmembrane protein 70; plus strand). Cytogenetic location: 8q21.11.
Variant type: Deletion.
Coding change: c.497_498del on transcript NM_017866.6 (MANE Select); coding-DNA positions 497 to 498, 2 bases deleted (AT; older notation c.497_498delAT).
Protein change: p.Tyr166fs; shifts the reading frame from tyrosine 166.
Molecular consequence: frameshift variant. On other transcripts: 3 prime UTR variant (1), non-coding transcript variant (1).
Genome position (GRCh38, 1-based): chr8:73,981,335-73,981,336, AT deleted; deleting any 2 consecutive bases within chr8:73,981,334-73,981,336 gives the same sequence; the c. name uses the placement nearest the transcript's 3' end. VCF-style (leftmost placement, unchanged base first): chr8-73981333-CTA-C. GRCh37 (hg19) VCF-style: chr8-74893568-CTA-C.
Other names: c.*187_*188del (NM_001040613.3); c.497_498del (NM_017866.5); short protein forms Y166fs.
Identifiers: ClinVar variation 1900244 (VCV001900244.6), dbSNP rs2536395943, ClinGen allele CA2580078942.

ClinVar aggregate classification (germline): Pathogenic/Likely pathogenic. Review status: criteria provided, multiple submitters, no conflicts (2 of 4 stars). 2 submissions from 2 submitters: Pathogenic (1); Likely pathogenic (1). Last evaluated 2024-02-27.

Conditions:
Mitochondrial complex V (ATP synthase) deficiency, nuclear type 2. Also called: Nuclear-Encoded ATPase Deficiency, TMEM70-Related; ENCEPHALOCARDIOMYOPATHY, MITOCHONDRIAL, NEONATAL, DUE TO ATP SYNTHASE DEFICIENCY; MITOCHONDRIAL COMPLEX V (ATP SYNTHASE) DEFICIENCY, TMEM70 TYPE. Identifiers: Orphanet 1194, MedGen C3279699, MONDO:0013546, OMIM 614052.

Submissions (2):

Service de Génétique Médicale, Centre Hospitalier Universitaire de Nice-Université Côte d'Azur
Classification: Likely pathogenic for Mitochondrial complex V (ATP synthase) deficiency, nuclear type 2. Last evaluated: 2024-02-27. Review status: criteria provided, single submitter. Criteria: ACMG Guidelines, 2015. Collection method: clinical testing. Allele origin: germline. Affected: yes.

Labcorp Genetics (formerly Invitae), Labcorp
Classification: Pathogenic for Mitochondrial complex V (ATP synthase) deficiency, nuclear type 2. Last evaluated: 2022-05-01. Review status: criteria provided, single submitter. Criteria: Invitae Variant Classification Sherloc (09022015). Collection method: clinical testing. Allele origin: germline.
Comment: This sequence change creates a premature translational stop signal (p.Tyr166Cysfs*7) in the TMEM70 gene. While this is not anticipated to result in nonsense mediated decay, it is expected to disrupt the last 95 amino acid(s) of the TMEM70 protein. This variant is not present in population databases (gnomAD no frequency). This variant has not been reported in the literature in individuals affected with TMEM70-related conditions. This variant disrupts a region of the TMEM70 protein in which other variant(s) (p.Thr193Serfs*6) have been determined to be pathogenic (PMID: 21147908; Invitae). This suggests that this is a clinically significant region of the protein, and that variants that disrupt it are likely to be disease-causing. For these reasons, this variant has been classified as Pathogenic.

Literature cited by the submitters: PubMed 38703036 (cited by Service de Génétique Médicale, Centre Hospitalier Universitaire de Nice-Université Côte d'Azur); PubMed 21147908 (cited by Labcorp Genetics (formerly Invitae), Labcorp).